The following is an entry in ClinVar:

ClinVar aggregate classification (germline): Uncertain significance. Review status: criteria provided, multiple submitters, no conflicts (2 of 4 stars). 2 submissions from 2 submitters: Uncertain significance (2). Last evaluated 2024-02-18.

Conditions:
Primary familial hypertrophic cardiomyopathy (HCM). Identifiers: Orphanet 99739, MedGen C0949658, MeSH D024741, MONDO:0024573. Inheritance: Various modes of inheritance.

Allele frequency attached by ClinVar (database versions not stated): gnomAD exomes 0.00001.
gnomAD v4.1: 13 of 1,614,172 alleles (0.00081%); highest among the groups gnomAD compares: Admixed American, 0.0017%; no homozygotes.

Submissions (2):

Ambry Genetics
Classification: Uncertain significance. Last evaluated: 2024-02-18. Review status: criteria provided, single submitter. Criteria: Ambry Variant Classification Scheme 2023. Collection method: clinical testing. Allele origin: germline.
Comment: The p.R80C variant (also known as c.238C>T), located in coding exon 2 of the ILK gene, results from a C to T substitution at nucleotide position 238. The arginine at codon 80 is replaced by cysteine, an amino acid with highly dissimilar properties. This amino acid position is conserved. In addition, this alteration is predicted to be deleterious by in silico analysis. Based on the available evidence, the clinical significance of this alteration remains unclear.

Labcorp Genetics (formerly Invitae), Labcorp
Classification: Uncertain significance for Primary familial hypertrophic cardiomyopathy. Last evaluated: 2022-06-19. Review status: criteria provided, single submitter. Criteria: Invitae Variant Classification Sherloc (09022015). Collection method: clinical testing. Allele origin: germline.
Comment: In summary, the available evidence is currently insufficient to determine the role of this variant in disease. Therefore, it has been classified as a Variant of Uncertain Significance. Algorithms developed to predict the effect of missense changes on protein structure and function (SIFT, PolyPhen-2, Align-GVGD) all suggest that this variant is likely to be disruptive. This variant has not been reported in the literature in individuals affected with ILK-related conditions. This variant is not present in population databases (gnomAD no frequency). This sequence change replaces arginine, which is basic and polar, with cysteine, which is neutral and slightly polar, at codon 80 of the ILK protein (p.Arg80Cys).

NM_004517.4(ILK):c.238C>T (p.Arg80Cys)

Genes: TAF10 (TATA-box binding protein associated factor 10; minus strand), ILK (integrin linked kinase; plus strand). Cytogenetic location: 11p15.4.
Variant type: single nucleotide variant.
Coding change: c.238C>T on transcript NM_004517.4 (MANE Select); coding-DNA position 238, C replaced by T.
Protein change: p.Arg80Cys; replaces arginine 80 with cysteine.
Molecular consequence: missense variant. On other transcripts: 3 prime UTR variant (1), intron variant (1).
Genome position (GRCh38, 1-based): chr11:6,608,194, C>T. VCF-style: chr11-6608194-C-T. GRCh37 (hg19) VCF-style: chr11-6629424-C-T.
Other names: c.238C>T, p.Arg80Cys (NM_001014794.3, NM_001014795.3, NM_001278441.2); c.*2728G>A (NM_006284.4); c.-147-200C>T (NM_001278442.2); short protein forms R80C.
Identifiers: ClinVar variation 2147915 (VCV002147915.5), dbSNP rs2493761343, ClinGen allele CA379455824.